The following is an entry in ClinVar:

ClinVar aggregate classification (germline): Uncertain significance (1 of 4 stars; one submission).

Conditions:
Familial encephalopathy with neuroserpin inclusion bodies. Also called: ENCEPHALOPATHY, FAMILIAL, WITH COLLINS BODIES. Identifiers: Orphanet 85110, MedGen C1858680, MONDO:0011412, OMIM 604218.

Allele frequency attached by ClinVar (database versions not stated): gnomAD exomes below 0.00001; TOPMed below 0.00001.
gnomAD v4.1: 2 of 1,614,110 alleles (0.00012%); highest among the groups gnomAD compares: Admixed American, 0.0033%; no homozygotes.

Submission:

Labcorp Genetics (formerly Invitae), Labcorp
Classification: Uncertain significance for Familial encephalopathy with neuroserpin inclusion bodies. Last evaluated: 2022-07-11. Review status: criteria provided, single submitter. Criteria: Invitae Variant Classification Sherloc (09022015). Collection method: clinical testing. Allele origin: germline.
Comment: ClinVar contains an entry for this variant (Variation ID: 1423861). In summary, the available evidence is currently insufficient to determine the role of this variant in disease. Therefore, it has been classified as a Variant of Uncertain Significance. Advanced modeling of protein sequence and biophysical properties (such as structural, functional, and spatial information, amino acid conservation, physicochemical variation, residue mobility, and thermodynamic stability) performed at Invitae indicates that this missense variant is not expected to disrupt SERPINI1 protein function. This variant has not been reported in the literature in individuals affected with SERPINI1-related conditions. This variant is present in population databases (no rsID available, gnomAD 0.003%). This sequence change replaces alanine, which is neutral and non-polar, with valine, which is neutral and non-polar, at codon 16 of the SERPINI1 protein (p.Ala16Val).

NM_001122752.2(SERPINI1):c.47C>T (p.Ala16Val)

Gene: SERPINI1 (serpin family I member 1; plus strand). Cytogenetic location: 3q26.1.
Variant type: single nucleotide variant.
Coding change: c.47C>T on transcript NM_001122752.2 (MANE Select); coding-DNA position 47, C replaced by T.
Protein change: p.Ala16Val; replaces alanine 16 with valine.
Molecular consequence: missense variant.
Genome position (GRCh38, 1-based): chr3:167,789,175, C>T. VCF-style: chr3-167789175-C-T. GRCh37 (hg19) VCF-style: chr3-167506963-C-T.
Other names: c.47C>T, p.Ala16Val (NM_005025.5); short protein forms A16V.
Identifiers: ClinVar variation 1423861 (VCV001423861.8), dbSNP rs1329426448, ClinGen allele CA355155434.